The following is an entry in ClinVar:

NM_005051.3(QARS1):c.256del (p.Gln86fs)

Gene: QARS1 (glutaminyl-tRNA synthetase 1; minus strand). Cytogenetic location: 3p21.31.
Variant type: Deletion.
Coding change: c.256del on transcript NM_005051.3 (MANE Select); coding-DNA position 256, one base deleted (C; older notation c.256delC).
Protein change: p.Gln86fs; shifts the reading frame from glutamine 86.
Molecular consequence: frameshift variant. On other transcripts: intron variant (1).
Genome position (GRCh38, 1-based): chr3:49,104,333, G deleted on the plus strand (C on the coding strand, the reverse complement: QARS1 is on the minus strand); the first of 4 consecutive G bases (chr3:49,104,333-49,104,336); deleting any one gives the same sequence. VCF-style (leftmost placement, unchanged base first): chr3-49104332-TG-T. GRCh37 (hg19) VCF-style: chr3-49141765-TG-T.
Other names: c.232+24del (NM_001272073.2); short protein forms Q86fs.
Identifiers: ClinVar variation 965194 (VCV000965194.2), dbSNP rs2042510074, ClinGen allele CA1139658066.

ClinVar aggregate classification (germline): Pathogenic (1 of 4 stars; one submission).

Conditions:
Diffuse cerebral and cerebellar atrophy - intractable seizures - progressive microcephaly syndrome. Also called: Microcephaly, progressive, with seizures and cerebral and cerebellar atrophy. Identifiers: Orphanet 404437, MedGen C4014239, MONDO:0014335, OMIM 615760.

Submission:

Labcorp Genetics (formerly Invitae), Labcorp
Classification: Pathogenic for Diffuse cerebral and cerebellar atrophy - intractable seizures - progressive microcephaly syndrome. Last evaluated: 2019-10-31. Review status: criteria provided, single submitter. Criteria: Invitae Variant Classification Sherloc (09022015). Collection method: clinical testing. Allele origin: germline.
Comment: This sequence change creates a premature translational stop signal (p.Gln86Serfs*2) in the QARS gene. It is expected to result in an absent or disrupted protein product. This variant is not present in population databases (ExAC no frequency). This variant has not been reported in the literature in individuals with QARS-related conditions. Loss-of-function variants in QARS are known to be pathogenic (PMID: 24656866, 25471517). For these reasons, this variant has been classified as Pathogenic.

Literature cited by the submitters: PubMed 24656866; PubMed 25471517.